The following is an entry in ClinVar:

ClinVar aggregate classification (germline): Uncertain significance. Review status: criteria provided, multiple submitters, no conflicts (2 of 4 stars). 6 submissions from 6 submitters: Uncertain significance (6). Last evaluated 2026-03-06.

Conditions:
LZTR1-related schwannomatosis. Also called: Schwannomatosis 2; Schwannomatosis-2, susceptibility to. Identifiers: Orphanet 93921, MedGen C3810283, MONDO:0014299, OMIM 615670.
Cardiovascular phenotype. Identifiers: MedGen CN230736.
Hereditary cancer-predisposing syndrome. Also called: Tumor predisposition; Hereditary neoplastic syndrome; Neoplastic Syndromes, Hereditary; Hereditary Cancer Syndrome. Identifiers: Orphanet 140162, MedGen C0027672, MeSH D009386, MONDO:0015356.
Noonan syndrome 2 (NS2). Identifiers: Orphanet 648, MedGen C1854469, MONDO:0011531, OMIM 605275.
Noonan syndrome 10 (NS10). Identifiers: Orphanet 648, MedGen C4225280, MONDO:0014693, OMIM 616564.

Allele frequency attached by ClinVar (database versions not stated): ExAC below 0.00001; gnomAD exomes below 0.00001; gnomAD 0.00003 and 0.00004; TOPMed 0.00004; ESP Exome Variant Server 0.00008.
gnomAD v4.1: 6 of 1,607,916 alleles (0.00037%); highest among the groups gnomAD compares: African/African-American, 0.0067%; no homozygotes.

Submissions (6):

GeneDx
Classification: Uncertain significance. Last evaluated: 2026-03-06. Review status: criteria provided, single submitter. Criteria: GeneDx Variant Classification Process June 2021. Collection method: clinical testing. Allele origin: germline.
Comment: Not observed at significant frequency in large population cohorts (gnomAD); In silico analysis suggests that this missense variant does not alter protein structure/function; Has not been previously published as pathogenic or benign to our knowledge

Labcorp Genetics (formerly Invitae), Labcorp
Classification: Uncertain significance. Last evaluated: 2026-01-06. Review status: criteria provided, single submitter. Criteria: Invitae Variant Classification Sherloc (09022015). Collection method: clinical testing. Allele origin: germline.
Comment: This sequence change replaces valine, which is neutral and non-polar, with isoleucine, which is neutral and non-polar, at codon 395 of the LZTR1 protein (p.Val395Ile). The frequency data for this variant in the population databases is considered unreliable, as metrics indicate poor data quality at this position in the gnomAD database. This variant has not been reported in the literature in individuals affected with LZTR1-related conditions. ClinVar contains an entry for this variant (Variation ID: 1039127). Invitae Evidence Modeling of protein sequence and biophysical properties (such as structural, functional, and spatial information, amino acid conservation, physicochemical variation, residue mobility, and thermodynamic stability) indicates that this missense variant is not expected to disrupt LZTR1 protein function with a negative predictive value of 80%. In summary, the available evidence is currently insufficient to determine the role of this variant in disease. Therefore, it has been classified as a Variant of Uncertain Significance.

Ambry Genetics
Classification: Uncertain significance for Cardiovascular phenotype; Hereditary cancer-predisposing syndrome. Last evaluated: 2025-06-07. Review status: criteria provided, single submitter. Criteria: Ambry Variant Classification Scheme 2023. Collection method: clinical testing. Allele origin: germline.

Clinical Genomics Laboratory, Washington University in St. Louis
Classification: Uncertain significance for Noonan syndrome 10; Noonan syndrome 2. Last evaluated: 2024-03-06. Review status: criteria provided, single submitter. Criteria: ACMG Guidelines, 2015. Collection method: clinical testing. Allele origin: germline.
Comment: An LZTR1 c.1183G>A (p.Val395Ile) variant was identified at a near heterozygous allelic fraction of 46.5%, a frequency which may be consistent with germline origin. This variant, to our knowledge, has not been reported in the medical literature but has been reported in the ClinVar database as a germline variant of uncertain significance by four submitters (ClinVar ID: 1039127). This variant is only observed on 6/1,607,916 alleles in the general population (gnomAD v.4.0.0), indicating it is not a common variant. Computational predictors suggest that the variant does not impact LZTR1 function. Due to conflicting information, and based on ACMG/AMP guidelines for variant interpretation (Richards S et al., PMID: 25741868), the clinical significance of this variant is uncertain at this time.

Baylor Genetics
Classification: Uncertain significance for LZTR1-related schwannomatosis. Last evaluated: 2023-06-30. Review status: criteria provided, single submitter. Criteria: ACMG Guidelines, 2015. Collection method: clinical testing. Allele origin: unknown.

Women's Health and Genetics/Laboratory Corporation of America, LabCorp
Classification: Uncertain significance. Last evaluated: 2022-03-09. Review status: criteria provided, single submitter. Criteria: LabCorp Variant Classification Summary - May 2015. Collection method: clinical testing. Allele origin: germline.
Comment: Variant summary: LZTR1 c.1183G>A (p.Val395Ile) results in a conservative amino acid change in the encoded protein sequence. Three of five in-silico tools predict a benign effect of the variant on protein function. The variant allele was found at a frequency of 4.2e-06 in 238650 control chromosomes (gnomAD). The available data on variant occurrences in the general population are insufficient to allow any conclusion about variant significance. To our knowledge, no occurrence of c.1183G>A in individuals affected with Noonan Syndrome and no experimental evidence demonstrating its impact on protein function have been reported. One clinical diagnostic laboratory has submitted clinical-significance assessments for this variant to ClinVar after 2014 and classified the variant as uncertain significance. Based on the evidence outlined above, the variant was classified as uncertain significance.

NM_006767.4(LZTR1):c.1183G>A (p.Val395Ile)

Gene: LZTR1 (leucine zipper like post translational regulator 1; plus strand). Cytogenetic location: 22q11.21.
Variant type: single nucleotide variant.
Coding change: c.1183G>A on transcript NM_006767.4 (MANE Select); coding-DNA position 1183, G replaced by A.
Protein change: p.Val395Ile; replaces valine 395 with isoleucine.
Molecular consequence: missense variant.
Genome position (GRCh38, 1-based): chr22:20,992,827, G>A. VCF-style: chr22-20992827-G-A. GRCh37 (hg19) VCF-style: chr22-21347116-G-A.
Other names: short protein forms V395I.
Identifiers: ClinVar variation 1039127 (VCV001039127.13), dbSNP rs373591504, ClinGen allele CA10118757.
Genomic context (GRCh38, chr22:20,992,827, plus strand): 5'-ATTCCACCCTGCCTTCTTGTCCCCCAGCTGCCCAGTGGGAGGCTCTTCCACGCGGCTGCT[G>A]TCATCTCGGACGCCATGTACATCTTCGGGGGCACGGTGGACAACAACATCCGCAGCGGGG-3'
Protein context (NP_006758.2, residues 385-405): PSGRLFHAAA[Val395Ile]ISDAMYIFGG